The following is an entry in ClinVar:

ClinVar aggregate classification (germline): Uncertain significance (1 of 4 stars; one submission).

gnomAD v4.1: 172 of 1,533,058 alleles (0.011%); highest among the groups gnomAD compares: Middle Eastern, 0.21%; no homozygotes.

Submission:

CeGaT Center for Human Genetics Tuebingen
Classification: Uncertain significance. Last evaluated: 2024-07-01. Review status: criteria provided, single submitter. Criteria: CeGaT Center For Human Genetics Tuebingen Variant Classification Criteria Version 2. Collection method: clinical testing. Allele origin: germline. Affected: yes. Observed: 1 variant allele.
Comment: SQSTM1: PM2, BP4

NM_003900.5(SQSTM1):c.-5T>G

Gene: SQSTM1 (sequestosome 1; plus strand). Cytogenetic location: 5q35.3.
Variant type: single nucleotide variant.
Coding change: c.-5T>G on transcript NM_003900.5 (MANE Select); 5 bases upstream of the start codon, T replaced by G.
Molecular consequence: 5 prime UTR variant. On other transcripts: intron variant (2).
Genome position (GRCh38, 1-based): chr5:179,820,932, T>G. VCF-style: chr5-179820932-T-G. GRCh37 (hg19) VCF-style: chr5-179247932-T-G.
Other names: c.-47-2026T>G (NM_001142298.2, NM_001142299.2).
Identifiers: ClinVar variation 3341678 (VCV003341678.16).